The following is an entry in ClinVar:

NM_001197104.2(KMT2A):c.539G>C (p.Arg180Thr)

Gene: KMT2A (lysine methyltransferase 2A; plus strand). Cytogenetic location: 11q23.3.
Variant type: single nucleotide variant.
Coding change: c.539G>C on transcript NM_001197104.2 (MANE Select); coding-DNA position 539, G replaced by C.
Protein change: p.Arg180Thr; replaces arginine 180 with threonine.
Molecular consequence: missense variant.
Genome position (GRCh38, 1-based): chr11:118,471,698, G>C. VCF-style: chr11-118471698-G-C. GRCh37 (hg19) VCF-style: chr11-118342413-G-C.
Other names: c.539G>C, p.Arg180Thr (NM_005933.4); short protein forms R180T.
Identifiers: ClinVar variation 1704007 (VCV001704007.6), dbSNP rs1315427088, ClinGen allele CA382806602.

ClinVar aggregate classification (germline): Conflicting classifications of pathogenicity. Review status: criteria provided, conflicting classifications (1 of 4 stars). 2 submissions from 2 submitters: Uncertain significance (1); Likely benign (1). Last evaluated 2025-02-03.

Allele frequency attached by ClinVar (database versions not stated): TOPMed 0.00001; gnomAD exomes 0.00001.
gnomAD v4.1: 5 of 1,599,646 alleles (0.00031%); highest among the groups gnomAD compares: Non-Finnish European, 0.00043%; no homozygotes.

Submissions (2):

Labcorp Genetics (formerly Invitae), Labcorp
Classification: Uncertain significance. Last evaluated: 2025-02-03. Review status: criteria provided, single submitter. Criteria: Invitae Variant Classification Sherloc (09022015). Collection method: clinical testing. Allele origin: germline.
Comment: This sequence change replaces arginine, which is basic and polar, with threonine, which is neutral and polar, at codon 180 of the KMT2A protein (p.Arg180Thr). This variant is present in population databases (no rsID available, gnomAD 0.002%). This variant has not been reported in the literature in individuals affected with KMT2A-related conditions. ClinVar contains an entry for this variant (Variation ID: 1704007). Invitae Evidence Modeling of protein sequence and biophysical properties (such as structural, functional, and spatial information, amino acid conservation, physicochemical variation, residue mobility, and thermodynamic stability) has been performed for this missense variant. However, the output from this modeling did not meet the statistical confidence thresholds required to predict the impact of this variant on KMT2A protein function. In summary, the available evidence is currently insufficient to determine the role of this variant in disease. Therefore, it has been classified as a Variant of Uncertain Significance.

GeneDx
Classification: Likely benign. Last evaluated: 2024-02-06. Review status: criteria provided, single submitter. Criteria: GeneDx Variant Classification Process June 2021. Collection method: clinical testing. Allele origin: germline. Affected: yes.
Comment: See Variant Classification Assertion Criteria.